The following is an entry in ClinVar:

ClinVar aggregate classification (germline): Uncertain significance (1 of 4 stars; one submission).

Conditions:
Primary ciliary dyskinesia. Also called: Ciliary dyskinesia. Identifiers: Orphanet 244, MedGen C0008780, MONDO:0016575, HP:0012265.

Allele frequency attached by ClinVar (database versions not stated): gnomAD exomes below 0.00001; ExAC 0.00001; gnomAD 0.00002.
gnomAD v4.1: 13 of 1,613,170 alleles (0.00081%); highest among the groups gnomAD compares: Non-Finnish European, 0.0011%; no homozygotes.

Submission:

Labcorp Genetics (formerly Invitae), Labcorp
Classification: Uncertain significance for Primary ciliary dyskinesia. Last evaluated: 2021-08-31. Review status: criteria provided, single submitter. Criteria: Invitae Variant Classification Sherloc (09022015). Collection method: clinical testing. Allele origin: germline.
Comment: This sequence change replaces serine with threonine at codon 1882 of the DNAH11 protein (p.Ser1882Thr). The serine residue is highly conserved and there is a small physicochemical difference between serine and threonine. This variant is present in population databases (rs779521671, ExAC 0.002%). This variant has not been reported in the literature in individuals affected with DNAH11-related conditions. Algorithms developed to predict the effect of missense changes on protein structure and function (SIFT, PolyPhen-2, Align-GVGD) all suggest that this variant is likely to be disruptive. In summary, the available evidence is currently insufficient to determine the role of this variant in disease. Therefore, it has been classified as a Variant of Uncertain Significance.

NM_001277115.2(DNAH11):c.5644T>A (p.Ser1882Thr)

Gene: DNAH11 (dynein axonemal heavy chain 11; plus strand). Cytogenetic location: 7p15.3.
Variant type: single nucleotide variant.
Coding change: c.5644T>A on transcript NM_001277115.2 (MANE Select); coding-DNA position 5644, T replaced by A.
Protein change: p.Ser1882Thr; replaces serine 1882 with threonine.
Molecular consequence: missense variant.
Genome position (GRCh38, 1-based): chr7:21,687,121, T>A. VCF-style: chr7-21687121-T-A. GRCh37 (hg19) VCF-style: chr7-21726739-T-A.
Other names: short protein forms S1882T.
Identifiers: ClinVar variation 849636 (VCV000849636.7), dbSNP rs779521671, ClinGen allele CA4180508.
Genomic context (GRCh38, chr7:21,687,121, plus strand): 5'-TATTAGACTGTGATGTTTGTGTTTTCTATTGCTTAAAGGTGTTATATTACCTTAACTCAA[T>A]CACTTCATCTAACCATGAGTGGGGCTCCTGCTGGCCCAGCTGGTACCGGGAAAACAGAGA-3'
Protein context (NP_001264044.1, residues 1872-1892): TDRCYITLTQ[Ser1882Thr]LHLTMSGAPA